The following is an entry in ClinVar:

NM_002047.4(GARS1):c.1162C>G (p.Arg388Gly)

Gene: GARS1 (glycyl-tRNA synthetase 1; plus strand). Cytogenetic location: 7p14.3.
Variant type: single nucleotide variant.
Coding change: c.1162C>G on transcript NM_002047.4 (MANE Select); coding-DNA position 1162, C replaced by G.
Protein change: p.Arg388Gly; replaces arginine 388 with glycine.
Molecular consequence: missense variant.
Genome position (GRCh38, 1-based): chr7:30,616,026, C>G. VCF-style: chr7-30616026-C-G. GRCh37 (hg19) VCF-style: chr7-30655642-C-G.
Other names: c.1000C>G, p.Arg334Gly (NM_001316772.1); short protein forms R334G, R388G.
Identifiers: ClinVar variation 965772 (VCV000965772.9), dbSNP rs759277467, ClinGen allele CA4205903.
Genomic context (GRCh38, chr7:30,616,026, plus strand): 5'-GTGGCAGACCTTCACCTTTATTTGTATTCAGCAAAAGCCCAGGTCAGCGGACAGTCCGCT[C>G]GGAAAATGCGCCTGGGAGATGCTGTTGAACAGGTAGGATTCTGGAGGTAACTTAACTTAG-3'
Protein context (NP_002038.2, residues 378-398): AKAQVSGQSA[Arg388Gly]KMRLGDAVEQ

ClinVar aggregate classification (germline): Uncertain significance. Review status: criteria provided, multiple submitters, no conflicts (2 of 4 stars). 2 submissions from 2 submitters: Uncertain significance (2). Last evaluated 2023-04-06.

Conditions:
Charcot-Marie-Tooth disease type 2. Also called: Charcot-Marie-Tooth type 2. Identifiers: Orphanet 64746, MedGen C0270914, MONDO:0018993.

Allele frequency attached by ClinVar (database versions not stated): TOPMed 0.00002.
gnomAD v4.1: 10 of 1,614,012 alleles (0.00062%); highest among the groups gnomAD compares: Non-Finnish European, 0.00085%; no homozygotes.

Submissions (2):

Labcorp Genetics (formerly Invitae), Labcorp
Classification: Uncertain significance for Charcot-Marie-Tooth disease type 2. Last evaluated: 2023-04-06. Review status: criteria provided, single submitter. Criteria: Invitae Variant Classification Sherloc (09022015). Collection method: clinical testing. Allele origin: germline.
Comment: In summary, the available evidence is currently insufficient to determine the role of this variant in disease. Therefore, it has been classified as a Variant of Uncertain Significance. Advanced modeling of protein sequence and biophysical properties (such as structural, functional, and spatial information, amino acid conservation, physicochemical variation, residue mobility, and thermodynamic stability) performed at Invitae indicates that this missense variant is not expected to disrupt GARS protein function. ClinVar contains an entry for this variant (Variation ID: 965772). This variant has not been reported in the literature in individuals affected with GARS-related conditions. This variant is present in population databases (rs759277467, gnomAD 0.002%). This sequence change replaces arginine, which is basic and polar, with glycine, which is neutral and non-polar, at codon 388 of the GARS protein (p.Arg388Gly).

Ambry Genetics
Classification: Uncertain significance. Last evaluated: 2020-09-22. Review status: criteria provided, single submitter. Criteria: Ambry Variant Classification Scheme 2023. Collection method: clinical testing. Allele origin: germline.
Comment: The p.R388G variant (also known as c.1162C>G), located in coding exon 9 of the GARS gene, results from a C to G substitution at nucleotide position 1162. The arginine at codon 388 is replaced by glycine, an amino acid with dissimilar properties. This amino acid position is not well conserved in available vertebrate species. In addition, the in silico prediction for this alteration is inconclusive. Since supporting evidence is limited at this time, the clinical significance of this alteration remains unclear.